The following is an entry in ClinVar:

ClinVar aggregate classification (germline): Uncertain significance (1 of 4 stars; one submission).

Conditions:
Inborn genetic diseases. Identifiers: MedGen C0950123, MeSH D030342.

Submission:

Ambry Genetics
Classification: Uncertain significance for Inborn genetic diseases. Last evaluated: 2024-12-14. Review status: criteria provided, single submitter. Criteria: Ambry Variant Classification Scheme 2023. Collection method: clinical testing. Allele origin: germline.
Comment: The p.T300P variant (also known as c.898A>C), located in coding exon 5 of the ERCC6L2 gene, results from an A to C substitution at nucleotide position 898. The threonine at codon 300 is replaced by proline, an amino acid with highly similar properties. This amino acid position is conserved. In addition, this alteration is predicted to be deleterious by in silico analysis. Based on the available evidence, the clinical significance of this variant remains unclear.

NM_020207.7(ERCC6L2):c.898A>C (p.Thr300Pro)

Gene: ERCC6L2 (ERCC excision repair 6 like 2; plus strand). Cytogenetic location: 9q22.32.
Variant type: single nucleotide variant.
Coding change: c.898A>C on transcript NM_020207.7 (MANE Select); coding-DNA position 898, A replaced by C.
Protein change: p.Thr300Pro; replaces threonine 300 with proline.
Molecular consequence: missense variant. On other transcripts: non-coding transcript variant (1).
Genome position (GRCh38, 1-based): chr9:95,915,777, A>C. VCF-style: chr9-95915777-A-C. GRCh37 (hg19) VCF-style: chr9-98678059-A-C.
Other names: c.898A>C, p.Thr300Pro (NM_001010895.4, NM_001375291.1, NM_001375292.1 and 2 more transcripts); short protein forms T300P.
Identifiers: ClinVar variation 3845795 (VCV003845795.1).